The following is an entry in ClinVar:

ClinVar aggregate classification (germline): Uncertain significance. Review status: criteria provided, single submitter (1 of 4 stars). 2 submissions from 1 submitter: Uncertain significance (1). 1 of the submissions does not count toward it. Last evaluated 2022-12-17.

Conditions:
Autosomal recessive nonsyndromic hearing loss 29. Identifiers: Orphanet 90636, MedGen C3279660, MONDO:0013537, OMIM 614035.

Allele frequency attached by ClinVar (database versions not stated): gnomAD exomes below 0.00001; ExAC 0.00001; gnomAD 0.00001; TOPMed 0.00001.
gnomAD v4.1: 3 of 1,613,854 alleles (0.00019%); highest among the groups gnomAD compares: African/African-American, 0.0013%; no homozygotes.

Submissions (2):

Dubai Health Genomic Medicine Center, Dubai Health
Classification: Uncertain significance. Last evaluated: 2022-12-17. Review status: criteria provided, single submitter. Criteria: ACMG Guidelines, 2015. Collection method: clinical testing. Allele origin: germline. Affected: yes.

Dubai Health Genomic Medicine Center, Dubai Health
Classification: Uncertain significance for Autosomal recessive nonsyndromic hearing loss 29. Last evaluated: 2020-11-15. Review status: flagged submission. Criteria: ACMG Guidelines, 2015. Collection method: clinical testing. Allele origin: germline. Affected: yes. Not counted in ClinVar's aggregate classification.
Comment: The p.Leu175Phe missense variant in CLDN14 has not been previously reported in individuals with disease but was detected in 1/113268 European Non Finnish alleles in the Genome Aggregation Database (gnomAD). Computational prediction tools and conservation analyses do not provide strong support for or against an impact to the protein. In summary additional information is needed to fully assess the clinical significance of this variant.
ClinVar note: Reason: This record appears to be redundant with a more recent record from the same submitter.
ClinVar note: Notes: SCV001984632 appears to be redundant with SCV002774980.

NM_001146079.2(CLDN14):c.523C>T (p.Leu175Phe)

Genes: CLDN14-AS1 (CLDN14 antisense RNA 1; plus strand), CLDN14 (claudin 14; minus strand). Cytogenetic location: 21q22.13.
Variant type: single nucleotide variant.
Coding change: c.523C>T on transcript NM_001146079.2 (MANE Select); coding-DNA position 523, C replaced by T.
Protein change: p.Leu175Phe; replaces leucine 175 with phenylalanine.
Molecular consequence: missense variant.
Genome position (GRCh38, 1-based): chr21:36,461,173, G>A on the plus strand (C>T on the coding strand, the complement: CLDN14 is on the minus strand). VCF-style: chr21-36461173-G-A. GRCh37 (hg19) VCF-style: chr21-37833471-G-A.
Other names: c.523C>T, p.Leu175Phe (NM_001146077.2, NM_001146078.3, NM_012130.4 and 1 more transcripts); short protein forms L175F.
Identifiers: ClinVar variation 1301806 (VCV001301806.3), dbSNP rs760657763, ClinGen allele CA10019241.
Genomic context (GRCh38, chr21:36,461,173, plus strand): 5'-GGTAGGGCCTGTAGGGTGCCTCGTCCTGGCAGGACAGGCAAAGCAGGGTGCCACCAATGA[G>A]CGAGAGGGACGAGGAGATGAAGCCCAGGTACAGGGCCTGGCCAATCTCAAACTTCATGCC-3'
Protein context (NP_001139551.1, residues 165-185): YLGFISSSLS[Leu175Phe]IGGTLLCLSC